The following is an entry in ClinVar:

NM_006204.4(PDE6C):c.1032C>T (p.Leu344=)

Gene: PDE6C (phosphodiesterase 6C; plus strand). Cytogenetic location: 10q23.33.
Variant type: single nucleotide variant.
Coding change: c.1032C>T on transcript NM_006204.4 (MANE Select); coding-DNA position 1032, C replaced by T.
Protein change: p.Leu344=; no amino-acid change (leucine 344 retained).
Molecular consequence: synonymous variant.
Genome position (GRCh38, 1-based): chr10:93,626,832, C>T. VCF-style: chr10-93626832-C-T. GRCh37 (hg19) VCF-style: chr10-95386589-C-T.
Other names: c.1032C>T (NM_006204.3).
Identifiers: ClinVar variation 2065477 (VCV002065477.5), dbSNP rs200000632, ClinGen allele CA211577095.

ClinVar aggregate classification (germline): Likely benign. Review status: criteria provided, multiple submitters, no conflicts (2 of 4 stars). 2 submissions from 2 submitters: Likely benign (2). Last evaluated 2025-11-24.

Conditions:
PDE6C-related disorder. Also called: PDE6C-related condition.

Allele frequency attached by ClinVar (database versions not stated): gnomAD exomes below 0.00001; gnomAD 0.00001; TOPMed 0.00001.
gnomAD v4.1: 4 of 1,613,862 alleles (0.00025%); highest among the groups gnomAD compares: Non-Finnish European, 0.00025%; no homozygotes.

Submissions (2):

PreventionGenetics, part of Exact Sciences
Classification: Likely benign for PDE6C-related condition. Last evaluated: 2025-11-24. Review status: criteria provided, single submitter. Criteria: ACMG Guidelines, 2015. Collection method: clinical testing. Allele origin: germline.
Comment: This variant is classified as likely benign based on ACMG/AMP sequence variant interpretation guidelines (Richards et al. 2015 PMID: 25741868, with internal and published modifications).

Labcorp Genetics (formerly Invitae), Labcorp
Classification: Likely benign. Last evaluated: 2022-08-20. Review status: criteria provided, single submitter. Criteria: Invitae Variant Classification Sherloc (09022015). Collection method: clinical testing. Allele origin: germline.